The following is an entry in ClinVar:

NM_001378778.1(MPDZ):c.692C>T (p.Pro231Leu)

Gene: MPDZ (multiple PDZ domain crumbs cell polarity complex component; minus strand). Cytogenetic location: 9p23.
Variant type: single nucleotide variant.
Coding change: c.692C>T on transcript NM_001378778.1 (MANE Select); coding-DNA position 692, C replaced by T.
Protein change: p.Pro231Leu; replaces proline 231 with leucine.
Molecular consequence: missense variant.
Genome position (GRCh38, 1-based): chr9:13,222,288, G>A on the plus strand (C>T on the coding strand, the complement: MPDZ is on the minus strand). VCF-style: chr9-13222288-G-A. GRCh37 (hg19) VCF-style: chr9-13222287-G-A.
Other names: c.692C>T, p.Pro231Leu (NM_001375418.1, NM_001375419.1, NM_001375420.1 and 14 more transcripts); c.692C>T (NM_003829.3); short protein forms P231L.
Identifiers: ClinVar variation 1508594 (VCV001508594.7), dbSNP rs757230764, ClinGen allele CA4988045.

ClinVar aggregate classification (germline): Uncertain significance. Review status: criteria provided, multiple submitters, no conflicts (2 of 4 stars). 2 submissions from 2 submitters: Uncertain significance (2). Last evaluated 2025-08-21.

Conditions:
Inborn genetic diseases. Identifiers: MedGen C0950123, MeSH D030342.

Allele frequency attached by ClinVar (database versions not stated): TOPMed below 0.00001; gnomAD 0.00001 and 0.00003; ExAC 0.00003; gnomAD exomes 0.00004.
gnomAD v4.1: 39 of 1,612,760 alleles (0.0024%); highest among the groups gnomAD compares: South Asian, 0.042%; no homozygotes.

Submissions (2):

Ambry Genetics
Classification: Uncertain significance for Inborn genetic diseases. Last evaluated: 2025-08-21. Review status: criteria provided, single submitter. Criteria: Ambry Variant Classification Scheme 2023. Collection method: clinical testing. Allele origin: germline.

Labcorp Genetics (formerly Invitae), Labcorp
Classification: Uncertain significance. Last evaluated: 2022-10-13. Review status: criteria provided, single submitter. Criteria: Invitae Variant Classification Sherloc (09022015). Collection method: clinical testing. Allele origin: germline.
Comment: Algorithms developed to predict the effect of missense changes on protein structure and function (SIFT, PolyPhen-2, Align-GVGD) all suggest that this variant is likely to be disruptive. ClinVar contains an entry for this variant (Variation ID: 1508594). This variant has not been reported in the literature in individuals affected with MPDZ-related conditions. This variant is present in population databases (rs757230764, gnomAD 0.03%). This sequence change replaces proline, which is neutral and non-polar, with leucine, which is neutral and non-polar, at codon 231 of the MPDZ protein (p.Pro231Leu). In summary, the available evidence is currently insufficient to determine the role of this variant in disease. Therefore, it has been classified as a Variant of Uncertain Significance.